The following is an entry in ClinVar:

NM_000455.5(STK11):c.785dup (p.Leu263fs)

Gene: STK11 (serine/threonine kinase 11; plus strand). Cytogenetic location: 19p13.3.
Variant type: Duplication.
Coding change: c.785dup on transcript NM_000455.5 (MANE Select); coding-DNA position 785, one base duplicated (A; older notation c.785dupA).
Protein change: p.Leu263fs; shifts the reading frame from leucine 263.
Molecular consequence: frameshift variant. On other transcripts: non-coding transcript variant (1).
Genome position (GRCh38, 1-based): chr19:1,221,263, A duplicated; the last of 2 consecutive A bases (chr19:1,221,262-1,221,263); duplicating either gives the same sequence. VCF-style (leftmost placement, unchanged base first): chr19-1221261-C-CA. GRCh37 (hg19) VCF-style: chr19-1221260-C-CA.
Other names: c.785dup, p.Leu263fs (NM_001407255.1); short protein forms L263fs.
Identifiers: ClinVar variation 3148620 (VCV003148620.1), dbSNP rs2512945137, ClinGen allele CA2825002732.

ClinVar aggregate classification (germline): Pathogenic (1 of 4 stars; one submission).

Conditions:
Peutz-Jeghers syndrome (PJS). Also called: POLYPOSIS, HAMARTOMATOUS INTESTINAL; POLYPS-AND-SPOTS SYNDROME; Peutz-Jeghers polyposis; Periorificial lentiginosis syndrome. Identifiers: Orphanet 2869, MedGen C0031269, MeSH D010580, MONDO:0008280, OMIM 175200.

Submission:

Myriad Genetics, Inc.
Classification: Pathogenic for Peutz-Jeghers syndrome. Last evaluated: 2024-02-12. Review status: criteria provided, single submitter. Criteria: Myriad Autosomal Dominant, Autosomal Recessive and X-Linked Classification Criteria (2023). Collection method: clinical testing. Allele origin: unknown.
Comment: This variant is considered pathogenic. This variant creates a frameshift predicted to result in premature protein truncation.